The following is an entry in ClinVar:

NM_000282.4(PCCA):c.1846-1G>T

Gene: PCCA (propionyl-CoA carboxylase subunit alpha; plus strand). Cytogenetic location: 13q32.3.
Variant type: single nucleotide variant.
Coding change: c.1846-1G>T on transcript NM_000282.4 (MANE Select); the canonical splice acceptor site of the intron before coding-DNA position 1846, G replaced by T.
Molecular consequence: splice acceptor variant. On other transcripts: intron variant (2).
Genome position (GRCh38, 1-based): chr13:100,449,251, G>T. VCF-style: chr13-100449251-G-T. GRCh37 (hg19) VCF-style: chr13-101101505-G-T.
Other names: c.1846-1G>T (NM_001178004.2, NM_001352609.2); c.1845+23520G>T (NM_001352605.2); c.1702-1G>T (NM_001352606.2); c.901-1G>T (NM_001352610.2); c.900+23520G>T (NM_001352611.2); c.757-1G>T (NM_001352612.2); c.1768-1G>T (NM_001127692.3, NM_001352607.2); c.1624-1G>T (NM_001352608.2).
Identifiers: ClinVar variation 1066950 (VCV001066950.8), dbSNP rs1555298451, ClinGen allele CA388695918.
Genomic context (GRCh38, chr13:100,449,251, plus strand): 5'-GAACATTACATACAAGCTGTGCAGATATGAGTTCATTTTATATCTCTTGTTTGTTTTTTA[G>T]TGTCTTTCTCGAGAAGCAGGTGGAAACATGAGCATTCAGTTTCTTGGTACAGTGGTAAGT-3'

ClinVar aggregate classification (germline): Likely pathogenic (1 of 4 stars; one submission).

Conditions:
Propionic acidemia (PROP). Also called: KETOTIC HYPERGLYCINEMIA; GLYCINEMIA, KETOTIC; HYPERGLYCINEMIA WITH KETOACIDOSIS AND LEUKOPENIA. Identifiers: Orphanet 35, MedGen C0268579, MONDO:0011628, OMIM 606054, HP:0003571.

Submission:

Labcorp Genetics (formerly Invitae), Labcorp
Classification: Likely pathogenic for Propionic acidemia. Last evaluated: 2020-06-19. Review status: criteria provided, single submitter. Criteria: Invitae Variant Classification Sherloc (09022015). Collection method: clinical testing. Allele origin: germline.
Comment: This sequence change affects an acceptor splice site in intron 20 of the PCCA gene. It is expected to disrupt RNA splicing and likely results in an absent or disrupted protein product. In summary, the currently available evidence indicates that the variant is pathogenic, but additional data are needed to prove that conclusively. Therefore, this variant has been classified as Likely Pathogenic. Donor and acceptor splice site variants typically lead to a loss of protein function (PMID: 16199547), and loss-of-function variants in PCCA are known to be pathogenic (PMID: 15464417). Algorithms developed to predict the effect of sequence changes on RNA splicing suggest that this variant may disrupt the consensus splice site, but this prediction has not been confirmed by published transcriptional studies. This variant has not been reported in the literature in individuals with PCCA-related conditions. This variant is not present in population databases (ExAC no frequency).

Literature cited by the submitters: PubMed 16199547; PubMed 15464417.